The following is an entry in ClinVar:

ClinVar aggregate classification (germline): Benign. Review status: reviewed by expert panel (3 of 4 stars). 14 submissions from 14 submitters: Benign (1). 13 of the submissions do not count toward it. Last evaluated 2017-05-09.

Conditions:
Noonan syndrome and Noonan-related syndrome. Identifiers: Orphanet 98733, MedGen C5681679, MONDO:0020297.
Cardiovascular phenotype. Identifiers: MedGen CN230736.
Cardiofaciocutaneous syndrome 4 (CFC4). Also called: MAP2K2-Related Cardiofaciocutaneous Syndrome. Identifiers: Orphanet 1340, MedGen C3809007, MONDO:0014114, OMIM 615280.
RASopathy. Also called: rasopathies; Noonan spectrum disorder. Identifiers: Orphanet 536391, MedGen C5555857, MONDO:0021060.

Allele frequency attached by ClinVar (database versions not stated): 1000 Genomes Project 30x 0.00062; ESP Exome Variant Server 0.00277; gnomAD 0.00282 and 0.00258; ExAC 0.00322; TOPMed 0.00343; 1000 Genomes Project 0.00080; gnomAD exomes 0.00274.
gnomAD v4.1: 5,287 of 1,605,774 alleles (0.33%); highest among the groups gnomAD compares: Admixed American, 0.45%; 17 homozygotes.

Submissions (14):

ClinGen RASopathy Variant Curation Expert Panel
Classification: Benign for Noonan syndrome and Noonan-related syndrome. Last evaluated: 2017-05-09. Review status: reviewed by expert panel. Criteria: ClinGen RASopathy ACMG Specifications v1. Collection method: curation. Allele origin: germline. Inheritance: Autosomal dominant inheritance.
Comment: The filtering allele frequency of the c.846C>T (p.Pro282=) variant in the MAP2K2 gene is 0.515% (46/6886) of Latino chromosomes by the Exome Aggregation Consortium, which is a high enough frequency to be classified as benign based on thresholds defined by the ClinGen RASopathy Expert Panel (BA1; PMID:29493581)

CeGaT Center for Human Genetics Tuebingen
Classification: Likely benign. Last evaluated: 2026-05-01. Review status: criteria provided, single submitter. Criteria: CeGaT Center For Human Genetics Tuebingen Variant Classification Criteria Version 2. Collection method: clinical testing. Allele origin: germline. Affected: yes. Observed: 20 variant alleles. Not counted in ClinVar's aggregate classification.
Comment: MAP2K2: BP4, BP7, BS2

Labcorp Genetics (formerly Invitae), Labcorp
Classification: Benign for RASopathy. Last evaluated: 2026-02-03. Review status: criteria provided, single submitter. Criteria: Invitae Variant Classification Sherloc (09022015). Collection method: clinical testing. Allele origin: germline. Not counted in ClinVar's aggregate classification.

Blueprint Genetics
Classification: Likely benign. Last evaluated: 2024-11-28. Review status: criteria provided, single submitter. Criteria: ACMG Guidelines, 2015. Collection method: clinical testing. Allele origin: germline. Not counted in ClinVar's aggregate classification.

Mayo Clinic Laboratories, Mayo Clinic
Classification: Benign. Last evaluated: 2024-10-23. Review status: criteria provided, single submitter. Criteria: ACMG Guidelines, 2015. Collection method: clinical testing. Allele origin: germline. Observed: 18 variant alleles. Not counted in ClinVar's aggregate classification.
Comment: BS1, BS2, BP4, BP7

ARUP Laboratories, Molecular Genetics and Genomics, ARUP Laboratories
Classification: Benign for Cardiofaciocutaneous syndrome 4. Last evaluated: 2021-11-30. Review status: criteria provided, single submitter. Criteria: ARUP Molecular Germline Variant Investigation Process 2021. Collection method: clinical testing. Allele origin: germline. Not counted in ClinVar's aggregate classification.

Genome Diagnostics Laboratory, The Hospital for Sick Children
Classification: Benign for Noonan syndrome and Noonan-related syndrome. Last evaluated: 2021-05-13. Review status: criteria provided, single submitter. Criteria: ACMG Guidelines, 2015. Collection method: clinical testing. Allele origin: germline. Not counted in ClinVar's aggregate classification.

Ambry Genetics
Classification: Benign for Cardiovascular phenotype. Last evaluated: 2021-01-19. Review status: criteria provided, single submitter. Criteria: Ambry Variant Classification Scheme 2023. Collection method: clinical testing. Allele origin: germline. Not counted in ClinVar's aggregate classification.

GeneDx
Classification: Benign. Last evaluated: 2015-03-03. Review status: criteria provided, single submitter. Criteria: GeneDx Variant Classification Process June 2021. Collection method: clinical testing. Allele origin: germline. Affected: yes. Not counted in ClinVar's aggregate classification.

Laboratory for Molecular Medicine, Mass General Brigham Personalized Medicine
Classification: Benign. Last evaluated: 2010-01-27. Review status: criteria provided, single submitter. Criteria: LMM Criteria. Collection method: clinical testing. Allele origin: germline. Observed: 31 variant alleles. Not counted in ClinVar's aggregate classification.

Breakthrough Genomics
Classification: Benign. Review status: criteria provided, single submitter. Criteria: ACMG Guidelines, 2015. Collection method: not provided. Allele origin: germline. Inheritance: Autosomal dominant inheritance. Affected: yes. Not counted in ClinVar's aggregate classification.

PreventionGenetics, part of Exact Sciences
Classification: Benign. Review status: criteria provided, single submitter. Criteria: ACMG Guidelines, 2015. Collection method: clinical testing. Allele origin: germline. Not counted in ClinVar's aggregate classification.

Clinical Genetics, Academic Medical Center
Classification: Benign. Review status: no assertion criteria provided. Collection method: clinical testing. Allele origin: germline. Affected: yes. Study: VKGL Data-share Consensus. Not counted in ClinVar's aggregate classification.

Joint Genome Diagnostic Labs from Nijmegen and Maastricht, Radboudumc and MUMC+
Classification: Likely benign. Review status: no assertion criteria provided. Collection method: clinical testing. Allele origin: germline. Affected: yes. Study: VKGL Data-share Consensus. Not counted in ClinVar's aggregate classification.

NM_030662.4(MAP2K2):c.846C>T (p.Pro282=)

Gene: MAP2K2 (mitogen-activated protein kinase kinase 2; minus strand). Cytogenetic location: 19p13.3.
Variant type: single nucleotide variant.
Coding change: c.846C>T on transcript NM_030662.4 (MANE Select); coding-DNA position 846, C replaced by T.
Protein change: p.Pro282=; no amino-acid change (proline 282 retained).
Molecular consequence: synonymous variant.
Genome position (GRCh38, 1-based): chr19:4,099,274, G>A on the plus strand (C>T on the coding strand, the complement: MAP2K2 is on the minus strand). VCF-style: chr19-4099274-G-A. GRCh37 (hg19) VCF-style: chr19-4099272-G-A.
Other names: p.P282P; NM_030662.3(MAP2K2):c.846C>T.
Identifiers: ClinVar variation 40827 (VCV000040827.61), dbSNP rs11539506, ClinGen allele CA137975.